The following is an entry in ClinVar:

NM_000156.6(GAMT):c.38G>C (p.Gly13Ala)

Genes: GAMT (guanidinoacetate N-methyltransferase; minus strand), LOC130062945 (ATAC-STARR-seq lymphoblastoid silent region 9707; plus strand). Cytogenetic location: 19p13.3.
Variant type: single nucleotide variant.
Coding change: c.38G>C on transcript NM_000156.6 (MANE Select); coding-DNA position 38, G replaced by C.
Protein change: p.Gly13Ala; replaces glycine 13 with alanine.
Molecular consequence: missense variant.
Genome position (GRCh38, 1-based): chr19:1,401,439, C>G on the plus strand (G>C on the coding strand, the complement: GAMT is on the minus strand). VCF-style: chr19-1401439-C-G. GRCh37 (hg19) VCF-style: chr19-1401438-C-G.
Other names: c.38G>C, p.Gly13Ala (NM_138924.3); c.38G>C (NM_000156.5); short protein forms G13A.
Identifiers: ClinVar variation 1462940 (VCV001462940.8), dbSNP rs1600160699, ClinGen allele CA402998398.

ClinVar aggregate classification (germline): Uncertain significance. Review status: criteria provided, multiple submitters, no conflicts (2 of 4 stars). 2 submissions from 2 submitters: Uncertain significance (2). Last evaluated 2025-09-09.

Conditions:
Inborn genetic diseases. Identifiers: MedGen C0950123, MeSH D030342.
Cerebral creatine deficiency syndrome. Also called: Creatine deficiency syndromes. Identifiers: Orphanet 79172, MedGen C5244016, MONDO:0000456.

Allele frequency attached by ClinVar (database versions not stated): gnomAD 0.00001; TOPMed 0.00001.
gnomAD v4.1: 2 of 1,411,802 alleles (0.00014%); highest among the groups gnomAD compares: African/African-American, 0.003%; no homozygotes.

Submissions (2):

Ambry Genetics
Classification: Uncertain significance for Inborn genetic diseases. Last evaluated: 2025-09-09. Review status: criteria provided, single submitter. Criteria: Ambry Variant Classification Scheme 2023. Collection method: clinical testing. Allele origin: germline.

Labcorp Genetics (formerly Invitae), Labcorp
Classification: Uncertain significance for Cerebral creatine deficiency syndrome. Last evaluated: 2024-02-17. Review status: criteria provided, single submitter. Criteria: Invitae Variant Classification Sherloc (09022015). Collection method: clinical testing. Allele origin: germline.
Comment: This sequence change replaces glycine, which is neutral and non-polar, with alanine, which is neutral and non-polar, at codon 13 of the GAMT protein (p.Gly13Ala). This variant is not present in population databases (gnomAD no frequency). This variant has not been reported in the literature in individuals affected with GAMT-related conditions. ClinVar contains an entry for this variant (Variation ID: 1462940). Advanced modeling of protein sequence and biophysical properties (such as structural, functional, and spatial information, amino acid conservation, physicochemical variation, residue mobility, and thermodynamic stability) has been performed at Invitae for this missense variant, however the output from this modeling did not meet the statistical confidence thresholds required to predict the impact of this variant on GAMT protein function. In summary, the available evidence is currently insufficient to determine the role of this variant in disease. Therefore, it has been classified as a Variant of Uncertain Significance.